The following is an entry in ClinVar:

ClinVar aggregate classification (germline): Uncertain significance (1 of 4 stars; one submission).

Conditions:
Charcot-Marie-Tooth disease type 4. Also called: Charcot-Marie-Tooth disease, type IV; Charcot-Marie-Tooth, Type 4. Identifiers: Orphanet 64749, MedGen C4082197, MONDO:0018995.

Allele frequency attached by ClinVar (database versions not stated): TOPMed 0.00001.

Submission:

Labcorp Genetics (formerly Invitae), Labcorp
Classification: Uncertain significance for Charcot-Marie-Tooth disease type 4. Last evaluated: 2022-04-01. Review status: criteria provided, single submitter. Criteria: Invitae Variant Classification Sherloc (09022015). Collection method: clinical testing. Allele origin: germline.
Comment: In summary, the available evidence is currently insufficient to determine the role of this variant in disease. Therefore, it has been classified as a Variant of Uncertain Significance. Advanced modeling of protein sequence and biophysical properties (such as structural, functional, and spatial information, amino acid conservation, physicochemical variation, residue mobility, and thermodynamic stability) performed at Invitae indicates that this missense variant is not expected to disrupt SH3TC2 protein function. This variant has not been reported in the literature in individuals affected with SH3TC2-related conditions. This variant is not present in population databases (gnomAD no frequency). This sequence change replaces aspartic acid, which is acidic and polar, with alanine, which is neutral and non-polar, at codon 424 of the SH3TC2 protein (p.Asp424Ala).

NM_024577.4(SH3TC2):c.1271A>C (p.Asp424Ala)

Gene: SH3TC2 (SH3 domain and tetratricopeptide repeats 2; minus strand). Cytogenetic location: 5q32.
Variant type: single nucleotide variant.
Coding change: c.1271A>C on transcript NM_024577.4 (MANE Select); coding-DNA position 1271, A replaced by C.
Protein change: p.Asp424Ala; replaces aspartic acid 424 with alanine.
Molecular consequence: missense variant.
Genome position (GRCh38, 1-based): chr5:149,028,461, T>G on the plus strand (A>C on the coding strand, the complement: SH3TC2 is on the minus strand). VCF-style: chr5-149028461-T-G. GRCh37 (hg19) VCF-style: chr5-148408024-T-G.
Other names: short protein forms D424A.
Identifiers: ClinVar variation 2165985 (VCV002165985.4), dbSNP rs1754121124, ClinGen allele CA361669338.